The following is an entry in ClinVar:

NM_001372.4(DNAH9):c.4097C>T (p.Thr1366Met)

Gene: DNAH9 (dynein axonemal heavy chain 9; plus strand). Cytogenetic location: 17p12.
Variant type: single nucleotide variant.
Coding change: c.4097C>T on transcript NM_001372.4 (MANE Select); coding-DNA position 4097, C replaced by T.
Protein change: p.Thr1366Met; replaces threonine 1366 with methionine.
Molecular consequence: missense variant.
Genome position (GRCh38, 1-based): chr17:11,689,919, C>T. VCF-style: chr17-11689919-C-T. GRCh37 (hg19) VCF-style: chr17-11593236-C-T.
Other names: short protein forms T1366M.
Identifiers: ClinVar variation 4242872 (VCV004242872.2).

ClinVar aggregate classification (germline): Conflicting classifications of pathogenicity. Review status: criteria provided, conflicting classifications (1 of 4 stars). 2 submissions from 2 submitters: Uncertain significance (1); Likely benign (1). Last evaluated 2025-08-29.

Conditions:
Inborn genetic diseases. Identifiers: MedGen C0950123, MeSH D030342.

gnomAD v4.1: 41 of 1,609,372 alleles (0.0025%); highest among the groups gnomAD compares: East Asian, 0.011%; no homozygotes.

Submissions (2):

Ambry Genetics
Classification: Likely benign for Inborn genetic diseases. Last evaluated: 2025-08-29. Review status: criteria provided, single submitter. Criteria: Ambry Variant Classification Scheme 2023. Collection method: clinical testing. Allele origin: germline.

Labcorp Genetics (formerly Invitae), Labcorp
Classification: Uncertain significance. Last evaluated: 2025-02-09. Review status: criteria provided, single submitter. Criteria: Invitae Variant Classification Sherloc (09022015). Collection method: clinical testing. Allele origin: germline.
Comment: This sequence change replaces threonine, which is neutral and polar, with methionine, which is neutral and non-polar, at codon 1366 of the DNAH9 protein (p.Thr1366Met). This variant is present in population databases (rs563844610, gnomAD 0.03%). This variant has not been reported in the literature in individuals affected with DNAH9-related conditions. Invitae Evidence Modeling of protein sequence and biophysical properties (such as structural, functional, and spatial information, amino acid conservation, physicochemical variation, residue mobility, and thermodynamic stability) indicates that this missense variant is not expected to disrupt DNAH9 protein function with a negative predictive value of 80%. In summary, the available evidence is currently insufficient to determine the role of this variant in disease. Therefore, it has been classified as a Variant of Uncertain Significance.